The following is an entry in ClinVar:

NM_000416.3(IFNGR1):c.643_644del (p.Val215fs)

Gene: IFNGR1 (interferon gamma receptor 1; minus strand). Cytogenetic location: 6q23.3.
Variant type: Microsatellite.
Coding change: c.643_644del on transcript NM_000416.3 (MANE Select); coding-DNA positions 643 to 644, 2 bases deleted (GT; older notation c.643_644delGT).
Protein change: p.Val215fs; shifts the reading frame from valine 215.
Molecular consequence: frameshift variant.
Genome position (GRCh38, 1-based): chr6:137,203,588-137,203,589, AC deleted on the plus strand (GT on the coding strand, the reverse complement: IFNGR1 is on the minus strand); deleting any 2 consecutive bases within chr6:137,203,588-137,203,592 gives the same sequence; the c. name uses the placement nearest the transcript's 3' end. VCF-style (leftmost placement, unchanged base first): chr6-137203587-AAC-A. GRCh37 (hg19) VCF-style: chr6-137524724-AAC-A.
Other names: c.613_614del, p.Val205fs (NM_001363526.1); c.520_521del, p.Val174fs (NM_001363527.1); short protein forms V205fs, V174fs, V215fs.
Identifiers: ClinVar variation 2082580 (VCV002082580.4), dbSNP rs2548232789, ClinGen allele CA2580615785.
Genomic context (GRCh38, chr6:137,203,587, plus strand): 5'-ACAAACTTCTTTTGACTTTTCAGTTGTAACACCCCACACATGTAAGACTCCTTCTGCTGA[AAC>A]ACAGTACTGAGAATTCAGTGAGGATACTGGAATCGCTAACTGGCACTGAATCTCGTCACA-3'

ClinVar aggregate classification (germline): Pathogenic (1 of 4 stars; one submission).

Conditions:
Disseminated atypical mycobacterial infection. Identifiers: MedGen C0694566.

Submission:

Labcorp Genetics (formerly Invitae), Labcorp
Classification: Pathogenic for Disseminated atypical mycobacterial infection. Last evaluated: 2022-01-14. Review status: criteria provided, single submitter. Criteria: Invitae Variant Classification Sherloc (09022015). Collection method: clinical testing. Allele origin: germline.
Comment: This sequence change creates a premature translational stop signal (p.Val215Phefs*14) in the IFNGR1 gene. It is expected to result in an absent or disrupted protein product. Loss-of-function variants in IFNGR1 are known to be pathogenic (PMID: 8960473, 9806040). This variant is not present in population databases (gnomAD no frequency). This variant has not been reported in the literature in individuals affected with IFNGR1-related conditions. For these reasons, this variant has been classified as Pathogenic.

Literature cited by the submitters: PubMed 8960473; PubMed 9806040.